The following is an entry in ClinVar:

NM_001098.3(ACO2):c.433G>A (p.Asp145Asn)

Gene: ACO2 (aconitase 2; plus strand). Cytogenetic location: 22q13.2.
Variant type: single nucleotide variant.
Coding change: c.433G>A on transcript NM_001098.3 (MANE Select); coding-DNA position 433, G replaced by A.
Protein change: p.Asp145Asn; replaces aspartic acid 145 with asparagine.
Molecular consequence: missense variant.
Genome position (GRCh38, 1-based): chr22:41,511,876, G>A. VCF-style: chr22-41511876-G-A. GRCh37 (hg19) VCF-style: chr22-41907880-G-A.
Other names: short protein forms D145N.
Identifiers: ClinVar variation 1718455 (VCV001718455.5), dbSNP rs1046009177, ClinGen allele CA324566510.

ClinVar aggregate classification (germline): Uncertain significance (1 of 4 stars; one submission).

Allele frequency attached by ClinVar (database versions not stated): TOPMed below 0.00001.

Submission:

Labcorp Genetics (formerly Invitae), Labcorp
Classification: Uncertain significance. Last evaluated: 2023-06-29. Review status: criteria provided, single submitter. Criteria: Invitae Variant Classification Sherloc (09022015). Collection method: clinical testing. Allele origin: germline.
Comment: In summary, the available evidence is currently insufficient to determine the role of this variant in disease. Therefore, it has been classified as a Variant of Uncertain Significance. An algorithm developed to predict the effect of missense changes on protein structure and function (PolyPhen-2) suggests that this variant is likely to be tolerated. ClinVar contains an entry for this variant (Variation ID: 1718455). This variant has not been reported in the literature in individuals affected with ACO2-related conditions. This variant is not present in population databases (gnomAD no frequency). This sequence change replaces aspartic acid, which is acidic and polar, with asparagine, which is neutral and polar, at codon 145 of the ACO2 protein (p.Asp145Asn).